The following is an entry in ClinVar:

NM_003743.5(NCOA1):c.3828G>A (p.Gly1276=)

Gene: NCOA1 (nuclear receptor coactivator 1; plus strand). Cytogenetic location: 2p23.3.
Variant type: single nucleotide variant.
Coding change: c.3828G>A on transcript NM_003743.5 (MANE Select); coding-DNA position 3828, G replaced by A.
Protein change: p.Gly1276=; no amino-acid change (glycine 1276 retained).
Molecular consequence: synonymous variant.
Genome position (GRCh38, 1-based): chr2:24,752,103, G>A. VCF-style: chr2-24752103-G-A. GRCh37 (hg19) VCF-style: chr2-24974972-G-A.
Other names: c.3828G>A, p.Gly1276= (NM_001362950.1, NM_001362952.1, NM_001362954.1 and 3 more transcripts).
Identifiers: ClinVar variation 3355431 (VCV003355431.1).

ClinVar aggregate classification (germline): Likely benign (0 of 4 stars; one submission).

Conditions:
NCOA1-related disorder. Also called: NCOA1-related condition.

Submission:

PreventionGenetics, part of Exact Sciences
Classification: Likely benign for NCOA1-related condition. Last evaluated: 2022-02-23. Review status: no assertion criteria provided. Collection method: clinical testing. Allele origin: germline.
Comment: This variant is classified as likely benign based on ACMG/AMP sequence variant interpretation guidelines (Richards et al. 2015 PMID: 25741868, with internal and published modifications).